The following is an entry in ClinVar:

NM_001377448.1(BAHCC1):c.2309G>T (p.Arg770Leu)

Gene: BAHCC1 (BAH domain and coiled-coil containing 1; plus strand). Cytogenetic location: 17q25.3.
Variant type: single nucleotide variant.
Coding change: c.2309G>T on transcript NM_001377448.1 (MANE Select); coding-DNA position 2309, G replaced by T.
Protein change: p.Arg770Leu; replaces arginine 770 with leucine.
Molecular consequence: missense variant.
Genome position (GRCh38, 1-based): chr17:81,443,902, G>T. VCF-style: chr17-81443902-G-T. GRCh37 (hg19) VCF-style: chr17-79410928-G-T.
Other names: c.2309G>T, p.Arg770Leu (NM_001291324.3); short protein forms R770L.
Identifiers: ClinVar variation 2648450 (VCV002648450.24), dbSNP rs149444621, ClinGen allele CA8833761.

ClinVar aggregate classification (germline): Likely benign (1 of 4 stars; one submission).

Allele frequency attached by ClinVar (database versions not stated): 1000 Genomes Project 0.00180; 1000 Genomes Project 30x 0.00203; ExAC 0.00332; ESP Exome Variant Server 0.00435.
gnomAD v4.1: 3,261 of 711,620 alleles (0.46%); highest among the groups gnomAD compares: Non-Finnish European, 0.62%; 10 homozygotes.

Submission:

CeGaT Center for Human Genetics Tuebingen
Classification: Likely benign. Last evaluated: 2025-06-01. Review status: criteria provided, single submitter. Criteria: CeGaT Center For Human Genetics Tuebingen Variant Classification Criteria Version 2. Collection method: clinical testing. Allele origin: germline. Affected: yes. Observed: 2 variant alleles.
Comment: BAHCC1: BS2